The following is an entry in ClinVar:

ClinVar aggregate classification (germline): Pathogenic (1 of 4 stars; one submission).

Submission:

GeneDx
Classification: Pathogenic. Last evaluated: 2023-10-18. Review status: criteria provided, single submitter. Criteria: GeneDx Variant Classification Process June 2021. Collection method: clinical testing. Allele origin: germline. Affected: yes.
Comment: Frameshift variant predicted to result in protein truncation or nonsense mediated decay in a gene for which loss-of-function is a known mechanism of disease; Not observed at significant frequency in large population cohorts (gnomAD); Has not been previously published as pathogenic or benign to our knowledge

NM_014112.5(TRPS1):c.2641del (p.Gln881fs)

Gene: TRPS1 (transcriptional repressor GATA binding 1; minus strand). Cytogenetic location: 8q23.3.
Variant type: Deletion.
Coding change: c.2641del on transcript NM_014112.5 (MANE Select); coding-DNA position 2641, one base deleted (C; older notation c.2641delC).
Protein change: p.Gln881fs; shifts the reading frame from glutamine 881.
Molecular consequence: frameshift variant.
Genome position (GRCh38, 1-based): chr8:115,587,060, G deleted on the plus strand (C on the coding strand, the reverse complement: TRPS1 is on the minus strand); the first of 5 consecutive G bases (chr8:115,587,060-115,587,064); deleting any one gives the same sequence. VCF-style (leftmost placement, unchanged base first): chr8-115587059-TG-T. GRCh37 (hg19) VCF-style: chr8-116599286-TG-T.
Other names: c.2614del, p.Gln872fs (NM_001282902.3); c.2620del, p.Gln874fs (NM_001282903.3); c.2602del, p.Gln868fs (NM_001330599.2); short protein forms Q868fs, Q872fs, Q874fs, Q881fs.
Identifiers: ClinVar variation 2663525 (VCV002663525.1), dbSNP rs2536860363, ClinGen allele CA2695201517.